The following is an entry in ClinVar:

NM_024529.5(CDC73):c.506A>G (p.Gln169Arg)

Gene: CDC73 (cell division cycle 73; plus strand). Cytogenetic location: 1q31.2.
Variant type: single nucleotide variant.
Coding change: c.506A>G on transcript NM_024529.5 (MANE Select); coding-DNA position 506, A replaced by G.
Protein change: p.Gln169Arg; replaces glutamine 169 with arginine.
Molecular consequence: missense variant.
Genome position (GRCh38, 1-based): chr1:193,138,167, A>G. VCF-style: chr1-193138167-A-G. GRCh37 (hg19) VCF-style: chr1-193107297-A-G.
Other names: short protein forms Q169R.
Identifiers: ClinVar variation 4223484 (VCV004223484.1).

ClinVar aggregate classification (germline): Uncertain significance (1 of 4 stars; one submission).

Conditions:
Hereditary cancer-predisposing syndrome. Also called: Hereditary Cancer Syndrome; Hereditary neoplastic syndrome; Neoplastic Syndromes, Hereditary; Tumor predisposition. Identifiers: Orphanet 140162, MedGen C0027672, MeSH D009386, MONDO:0015356.

Submission:

Ambry Genetics
Classification: Uncertain significance for Hereditary cancer-predisposing syndrome. Last evaluated: 2025-08-10. Review status: criteria provided, single submitter. Criteria: Ambry Variant Classification Scheme 2023. Collection method: clinical testing. Allele origin: germline.
Comment: The p.Q169R variant (also known as c.506A>G), located in coding exon 6 of the CDC73 gene, results from an A to G substitution at nucleotide position 506. The glutamine at codon 169 is replaced by arginine, an amino acid with highly similar properties. This amino acid position is conserved. In addition, the in silico prediction for this alteration is inconclusive. Based on the available evidence, the clinical significance of this variant remains unclear.